The following is an entry in ClinVar:

ClinVar aggregate classification (germline): Likely benign. Review status: criteria provided, single submitter (1 of 4 stars). 2 submissions from 2 submitters: Likely benign (1). 1 of the submissions does not count toward it. Last evaluated 2024-09-25.

Conditions:
XK-related disorder. Also called: XK-related condition.

gnomAD v4.1: 59 of 1,207,971 alleles (0.0049%); highest among the groups gnomAD compares: Middle Eastern, 0.39%; no homozygotes.

Submissions (2):

Blueprint Genetics
Classification: Likely benign. Last evaluated: 2024-09-25. Review status: criteria provided, single submitter. Criteria: ACMG Guidelines, 2015. Collection method: clinical testing. Allele origin: germline.

PreventionGenetics, part of Exact Sciences
Classification: Likely benign for XK-related condition. Last evaluated: 2024-07-23. Review status: no assertion criteria provided. Collection method: clinical testing. Allele origin: germline. Not counted in ClinVar's aggregate classification.
Comment: This variant is classified as likely benign based on ACMG/AMP sequence variant interpretation guidelines (Richards et al. 2015 PMID: 25741868, with internal and published modifications).

NM_021083.4(XK):c.210G>C (p.Leu70=)

Gene: XK (X-linked Kx blood group antigen, Kell and VPS13A binding protein; plus strand). Cytogenetic location: Xp21.1.
Variant type: single nucleotide variant.
Coding change: c.210G>C on transcript NM_021083.4 (MANE Select); coding-DNA position 210, G replaced by C.
Protein change: p.Leu70=; no amino-acid change (leucine 70 retained).
Molecular consequence: synonymous variant.
Genome position (GRCh38, 1-based): chrX:37,686,171, G>C. VCF-style: chrX-37686171-G-C. GRCh37 (hg19) VCF-style: chrX-37545424-G-C.
Identifiers: ClinVar variation 3353082 (VCV003353082.2).